The following is an entry in ClinVar:

NM_014000.3(VCL):c.2207A>G (p.Lys736Arg)

Gene: VCL (vinculin; plus strand). Cytogenetic location: 10q22.2.
Variant type: single nucleotide variant.
Coding change: c.2207A>G on transcript NM_014000.3 (MANE Select); coding-DNA position 2207, A replaced by G.
Protein change: p.Lys736Arg; replaces lysine 736 with arginine.
Molecular consequence: missense variant.
Genome position (GRCh38, 1-based): chr10:74,105,126, A>G. VCF-style: chr10-74105126-A-G. GRCh37 (hg19) VCF-style: chr10-75864884-A-G.
Other names: c.2207A>G, p.Lys736Arg (NM_003373.4); short protein forms K736R.
Identifiers: ClinVar variation 3723051 (VCV003723051.2).
Genomic context (GRCh38, chr10:74,105,126, plus strand): 5'-CCATTGATACCAAATCTCTGTTGGATGCTTCAGAAGAAGCAATTAAAAAAGACCTGGACA[A>G]GTGCAAGGTAGCTATGGCCAACATTCAGCCTCAGATGCTGGTTGCTGGGGCAACCAGTAT-3'
Protein context (NP_054706.1, residues 726-746): SEEAIKKDLD[Lys736Arg]CKVAMANIQP

ClinVar aggregate classification (germline): Uncertain significance (1 of 4 stars; one submission).

Conditions:
Dilated cardiomyopathy 1W (CMD1W). Identifiers: Orphanet 154, MedGen C1969639, MONDO:0012667, OMIM 611407.

gnomAD v4.1: 1 of 1,614,206 alleles (0.000062%); highest among the groups gnomAD compares: Non-Finnish European, 0.000085%; no homozygotes.

Submission:

Labcorp Genetics (formerly Invitae), Labcorp
Classification: Uncertain significance for Dilated cardiomyopathy 1W. Last evaluated: 2024-10-16. Review status: criteria provided, single submitter. Criteria: Invitae Variant Classification Sherloc (09022015). Collection method: clinical testing. Allele origin: germline.
Comment: This sequence change replaces lysine, which is basic and polar, with arginine, which is basic and polar, at codon 736 of the VCL protein (p.Lys736Arg). This variant is not present in population databases (gnomAD no frequency). This variant has not been reported in the literature in individuals affected with VCL-related conditions. An algorithm developed to predict the effect of missense changes on protein structure and function (PolyPhen-2) suggests that this variant is likely to be disruptive. In summary, the available evidence is currently insufficient to determine the role of this variant in disease. Therefore, it has been classified as a Variant of Uncertain Significance.